The following is an entry in ClinVar:

ClinVar aggregate classification (germline): Uncertain significance (1 of 4 stars; one submission).

Submission:

Labcorp Genetics (formerly Invitae), Labcorp
Classification: Uncertain significance. Last evaluated: 2024-06-03. Review status: criteria provided, single submitter. Criteria: Invitae Variant Classification Sherloc (09022015). Collection method: clinical testing. Allele origin: germline.
Comment: This sequence change replaces lysine, which is basic and polar, with arginine, which is basic and polar, at codon 1016 of the INPPL1 protein (p.Lys1016Arg). This variant is not present in population databases (gnomAD no frequency). This variant has not been reported in the literature in individuals affected with INPPL1-related conditions. An algorithm developed to predict the effect of missense changes on protein structure and function (PolyPhen-2) suggests that this variant is likely to be disruptive. In summary, the available evidence is currently insufficient to determine the role of this variant in disease. Therefore, it has been classified as a Variant of Uncertain Significance.

NM_001567.4(INPPL1):c.3047A>G (p.Lys1016Arg)

Gene: INPPL1 (inositol polyphosphate phosphatase like 1; plus strand). Cytogenetic location: 11q13.4.
Variant type: single nucleotide variant.
Coding change: c.3047A>G on transcript NM_001567.4 (MANE Select); coding-DNA position 3047, A replaced by G.
Protein change: p.Lys1016Arg; replaces lysine 1016 with arginine.
Molecular consequence: missense variant.
Genome position (GRCh38, 1-based): chr11:72,237,291, A>G. VCF-style: chr11-72237291-A-G. GRCh37 (hg19) VCF-style: chr11-71948335-A-G.
Other names: short protein forms K1016R.
Identifiers: ClinVar variation 2785058 (VCV002785058.3), dbSNP rs2539244806, ClinGen allele CA381737562.